The following is an entry in ClinVar:

ClinVar aggregate classification (germline): Uncertain significance (1 of 4 stars; one submission).

Allele frequency attached by ClinVar (database versions not stated): gnomAD exomes below 0.00001; TOPMed below 0.00001.
gnomAD v4.1: 2 of 1,614,184 alleles (0.00012%); highest among the groups gnomAD compares: Non-Finnish European, 0.00017%; no homozygotes.

Submission:

Labcorp Genetics (formerly Invitae), Labcorp
Classification: Uncertain significance. Last evaluated: 2024-01-05. Review status: criteria provided, single submitter. Criteria: Invitae Variant Classification Sherloc (09022015). Collection method: clinical testing. Allele origin: germline.
Comment: This sequence change replaces threonine, which is neutral and polar, with alanine, which is neutral and non-polar, at codon 380 of the CARD8 protein (p.Thr380Ala). This variant is present in population databases (no rsID available, gnomAD 0.007%). This variant has not been reported in the literature in individuals affected with CARD8-related conditions. An algorithm developed to predict the effect of missense changes on protein structure and function (PolyPhen-2) suggests that this variant is likely to be disruptive. In summary, the available evidence is currently insufficient to determine the role of this variant in disease. Therefore, it has been classified as a Variant of Uncertain Significance.

NM_001184900.3(CARD8):c.1288A>G (p.Thr430Ala)

Gene: CARD8 (caspase recruitment domain family member 8; minus strand). Cytogenetic location: 19q13.33.
Variant type: single nucleotide variant.
Coding change: c.1288A>G on transcript NM_001184900.3 (MANE Select); coding-DNA position 1288, A replaced by G.
Protein change: p.Thr430Ala; replaces threonine 430 with alanine.
Molecular consequence: missense variant. On other transcripts: non-coding transcript variant (2), intron variant (7).
Genome position (GRCh38, 1-based): chr19:48,218,886, T>C on the plus strand (A>G on the coding strand, the complement: CARD8 is on the minus strand). VCF-style: chr19-48218886-T-C. GRCh37 (hg19) VCF-style: chr19-48722143-T-C.
Other names: c.1138A>G, p.Thr380Ala (NM_001184901.1, NM_001351783.2, NM_014959.5); c.1288A>G, p.Thr430Ala (NM_001351782.2); c.973A>G, p.Thr325Ala (NM_001351784.2, NM_001351787.2); c.952A>G, p.Thr318Ala (NM_001351786.2); c.970A>G, p.Thr324Ala (NM_001365950.1); c.463A>G, p.Thr155Ala (NM_001426741.1); c.846+2844A>G (NM_001351791.2, NM_001351792.2); c.1011+2844A>G (NM_001351788.2, NM_001351789.2); and 2 more; short protein forms T318A, T325A, T155A, T324A, T380A, T430A.
Identifiers: ClinVar variation 2707166 (VCV002707166.3), dbSNP rs1384663432, ClinGen allele CA406664553.